The following is an entry in ClinVar:

ClinVar aggregate classification (germline): Uncertain significance (1 of 4 stars; one submission).

Conditions:
Nemaline myopathy 2 (NEM2). Also called: Nemaline myopathy 2, autosomal recessive. Identifiers: MedGen C1850569, MONDO:0009725, OMIM 256030.

Submission:

Labcorp Genetics (formerly Invitae), Labcorp
Classification: Uncertain significance for Nemaline myopathy 2. Last evaluated: 2020-10-08. Review status: criteria provided, single submitter. Criteria: Invitae Variant Classification Sherloc (09022015). Collection method: clinical testing. Allele origin: germline.
Comment: This sequence change replaces alanine with threonine at codon 2400 of the NEB protein (p.Ala2400Thr). The alanine residue is moderately conserved and there is a small physicochemical difference between alanine and threonine. This variant is not present in population databases (ExAC no frequency). This variant has not been reported in the literature in individuals with NEB-related conditions. Algorithms developed to predict the effect of missense changes on protein structure and function are either unavailable or do not agree on the potential impact of this missense change (SIFT: "Deleterious"; PolyPhen-2: "Not Available"; Align-GVGD: "Class C0"). In summary, the available evidence is currently insufficient to determine the role of this variant in disease. Therefore, it has been classified as a Variant of Uncertain Significance.

NM_001164508.2(NEB):c.7198G>A (p.Ala2400Thr)

Gene: NEB (nebulin; minus strand). Cytogenetic location: 2q23.3.
Variant type: single nucleotide variant.
Coding change: c.7198G>A on transcript NM_001164508.2 (MANE Select); coding-DNA position 7198, G replaced by A.
Protein change: p.Ala2400Thr; replaces alanine 2400 with threonine.
Molecular consequence: missense variant.
Genome position (GRCh38, 1-based): chr2:151,650,603, C>T on the plus strand (G>A on the coding strand, the complement: NEB is on the minus strand). VCF-style: chr2-151650603-C-T. GRCh37 (hg19) VCF-style: chr2-152507117-C-T.
Other names: c.7198G>A, p.Ala2400Thr (NM_001164507.2, NM_001271208.2, NM_004543.5); short protein forms A2400T.
Identifiers: ClinVar variation 1898803 (VCV001898803.2), dbSNP rs2552249858, ClinGen allele CA348789267.
Genomic context (GRCh38, chr2:151,650,603, plus strand): 5'-ATATAAACTATTGGATTTAATAGAAACTGACCTCACTTTGCAGTTCATAAACTTTCTTAG[C>T]TTGCACAACATCGTTCTGATCAGGCAGACATGTCCACTGATGCAGGTAGTTCTTGTAGTC-3'
Protein context (NP_001157980.2, residues 2390-2410): CLPDQNDVVQ[Ala2400Thr]KKVYELQSEN